The following is an entry in ClinVar:

ClinVar aggregate classification (germline): Pathogenic/Likely pathogenic. Review status: criteria provided, multiple submitters, no conflicts (2 of 4 stars). 3 submissions from 3 submitters: Pathogenic (1); Likely pathogenic (1). 1 of the submissions does not count toward it. Last evaluated 2024-07-26.

Conditions:
beta Thalassemia (BTHAL). Also called: Cooley's anemia; Erythroblastic anemia; Mediterranean anemia. Identifiers: Orphanet 848, MedGen C0005283, MONDO:0019402. Disease mechanism: loss of function.

Submissions (3):

Quest Diagnostics Nichols Institute San Juan Capistrano
Classification: Pathogenic. Last evaluated: 2024-07-26. Review status: criteria provided, single submitter. Criteria: Quest Diagnostics criteria. Collection method: clinical testing. Allele origin: unknown.
Comment: The HBB c.315+2del variant disrupts a canonical splice-donor site and interferes with normal HBB mRNA splicing. This variant has been reported in the published literature in individuals with Beta Thalassemia (PMID: 11186264 (2000), 20113289 (2010), 21704277 (2011)). This variant has not been reported in large, multi-ethnic general populations (Genome Aggregation Database). Based on the available information, this variant is classified as pathogenic.

Women's Health and Genetics/Laboratory Corporation of America, LabCorp
Classification: Likely pathogenic for beta Thalassemia. Last evaluated: 2018-09-03. Review status: criteria provided, single submitter. Criteria: LabCorp Variant Classification Summary - May 2015. Collection method: clinical testing. Allele origin: germline.
Comment: Variant summary: HBB c.315+2delT is located in a canonical splice-site and is predicted to affect mRNA splicing resulting in a significantly altered protein due to either exon skipping, shortening, or inclusion of intronic material. Several computational tools predict a significant impact on normal splicing: Four predict the variant abolishes a 5 splicing donor site. However, these predictions have yet to be confirmed by functional studies. The variant was absent in 276896 control chromosomes (gnomAD). c.315+2delT has been reported in the literature in an individual affected with Beta Thalassemia (Ma_2000). To our knowledge, no experimental evidence demonstrating an impact on protein function has been reported. No clinical diagnostic laboratories have submitted clinical-significance assessments for this variant to ClinVar after 2014. Based on the evidence outlined above, the variant was classified as likely pathogenic.

The ITHANET community portal, The Cyprus Institute of Neurology and Genetics
Classification: Pathogenic for beta Thalassemia. Last evaluated: 2019-11-25. Review status: no assertion criteria provided. Collection method: curation. Allele origin: germline. Not counted in ClinVar's aggregate classification.

Literature cited by the submitters: PubMed 11186264 (cited by 3 submitters); PubMed 20113289 (cited by Quest Diagnostics Nichols Institute San Juan Capistrano and Women's Health and Genetics/Laboratory Corporation of America, LabCorp); PubMed 21704277 (cited by Quest Diagnostics Nichols Institute San Juan Capistrano and Women's Health and Genetics/Laboratory Corporation of America, LabCorp).

NM_000518.5(HBB):c.315+2del

Genes: HBB (hemoglobin subunit beta; minus strand), LOC106099062 (HBB recombination region; plus strand), LOC107133510 (origin of replication at HBB; plus strand), LOC110006319 (beta-globin gene 3' regulatory region; plus strand). Cytogenetic location: 11p15.4.
Variant type: Deletion.
Coding change: c.315+2del on transcript NM_000518.5 (MANE Select); the canonical splice donor site of the intron after coding-DNA position 315, one base deleted (T; older notation c.315+2delT).
Molecular consequence: splice donor variant.
Genome position (GRCh38, 1-based): chr11:5,226,575, A deleted on the plus strand (T on the coding strand, the reverse complement: HBB is on the minus strand). VCF-style (leftmost placement, unchanged base first): chr11-5226574-CA-C. GRCh37 (hg19) VCF-style: chr11-5247804-CA-C.
Other names: IVS II-2 (-T); c.315+2del (NM_000518.4).
Identifiers: ClinVar variation 633258 (VCV000633258.3), dbSNP rs1564874813, ClinGen allele CA913190233.